The following is an entry in ClinVar:

ClinVar aggregate classification (germline): Uncertain significance (1 of 4 stars; one submission).

Conditions:
Cardiovascular phenotype. Identifiers: MedGen CN230736.

Submission:

Ambry Genetics
Classification: Uncertain significance for Cardiovascular phenotype. Last evaluated: 2025-12-11. Review status: criteria provided, single submitter. Criteria: Ambry Variant Classification Scheme 2023. Collection method: clinical testing. Allele origin: germline.
Comment: The p.A944V variant (also known as c.2831C>T), located in coding exon 16 of the EPHB4 gene, results from a C to T substitution at nucleotide position 2831. The alanine at codon 944 is replaced by valine, an amino acid with similar properties. This amino acid position is conserved. In addition, this alteration is predicted to be tolerated by in silico analysis. Based on the available evidence, the clinical significance of this variant remains unclear.

NM_004444.5(EPHB4):c.2831C>T (p.Ala944Val)

Gene: EPHB4 (EPH receptor B4; minus strand). Cytogenetic location: 7q22.1.
Variant type: single nucleotide variant.
Coding change: c.2831C>T on transcript NM_004444.5 (MANE Select); coding-DNA position 2831, C replaced by T.
Protein change: p.Ala944Val; replaces alanine 944 with valine.
Molecular consequence: missense variant.
Genome position (GRCh38, 1-based): chr7:100,805,169, G>A on the plus strand (C>T on the coding strand, the complement: EPHB4 is on the minus strand). VCF-style: chr7-100805169-G-A. GRCh37 (hg19) VCF-style: chr7-100402791-G-A.
Other names: short protein forms A944V.
Identifiers: ClinVar variation 4614144 (VCV004614144.1).